The following is an entry in ClinVar:

ClinVar aggregate classification (germline): Uncertain significance. Review status: criteria provided, multiple submitters, no conflicts (2 of 4 stars). 2 submissions from 2 submitters: Uncertain significance (2). Last evaluated 2025-10-16.

Conditions:
Inborn genetic diseases. Identifiers: MedGen C0950123, MeSH D030342.
Baller-Gerold syndrome (BGS). Also called: CRANIOSYNOSTOSIS WITH RADIAL DEFECTS. Identifiers: Orphanet 1225, MedGen C0265308, MONDO:0009039, OMIM 218600.

gnomAD v4.1: 13 of 1,594,180 alleles (0.00082%); highest among the groups gnomAD compares: African/African-American, 0.0027%; no homozygotes.

Submissions (2):

Labcorp Genetics (formerly Invitae), Labcorp
Classification: Uncertain significance for Baller-Gerold syndrome. Last evaluated: 2025-10-16. Review status: criteria provided, single submitter. Criteria: Invitae Variant Classification Sherloc (09022015). Collection method: clinical testing. Allele origin: germline.
Comment: This sequence change replaces glycine, which is neutral and non-polar, with alanine, which is neutral and non-polar, at codon 58 of the RECQL4 protein (p.Gly58Ala). This variant is not present in population databases (gnomAD no frequency). This variant has not been reported in the literature in individuals affected with RECQL4-related conditions. ClinVar contains an entry for this variant (Variation ID: 842069). Experimental studies and prediction algorithms are not available or were not evaluated, and the functional significance of this variant is currently unknown. In summary, the available evidence is currently insufficient to determine the role of this variant in disease. Therefore, it has been classified as a Variant of Uncertain Significance.

Ambry Genetics
Classification: Uncertain significance for Inborn genetic diseases. Last evaluated: 2025-02-03. Review status: criteria provided, single submitter. Criteria: Ambry Variant Classification Scheme 2023. Collection method: clinical testing. Allele origin: germline.
Comment: The p.G58A variant (also known as c.173G>C), located in coding exon 3 of the RECQL4 gene, results from a G to C substitution at nucleotide position 173. The glycine at codon 58 is replaced by alanine, an amino acid with similar properties. This amino acid position is conserved. In addition, this alteration is predicted to be tolerated by in silico analysis. Based on the available evidence, the clinical significance of this variant remains unclear.

NM_004260.4(RECQL4):c.173G>C (p.Gly58Ala)

Genes: RECQL4 (RecQ like helicase 4; minus strand), LOC130001411 (ATAC-STARR-seq lymphoblastoid silent region 19699; plus strand). Cytogenetic location: 8q24.3.
Variant type: single nucleotide variant.
Coding change: c.173G>C on transcript NM_004260.4 (MANE Select); coding-DNA position 173, G replaced by C.
Protein change: p.Gly58Ala; replaces glycine 58 with alanine.
Molecular consequence: missense variant.
Genome position (GRCh38, 1-based): chr8:144,517,454, C>G on the plus strand (G>C on the coding strand, the complement: RECQL4 is on the minus strand). VCF-style: chr8-144517454-C-G. GRCh37 (hg19) VCF-style: chr8-145742838-C-G.
Other names: short protein forms G58A.
Identifiers: ClinVar variation 842069 (VCV000842069.8), dbSNP rs1008942429, ClinGen allele CA187690976.